The following is an entry in ClinVar:

NM_001244008.2(KIF1A):c.4317A>G (p.Pro1439=)

Gene: KIF1A (kinesin family member 1A; minus strand). Cytogenetic location: 2q37.3.
Variant type: single nucleotide variant.
Coding change: c.4317A>G on transcript NM_001244008.2 (MANE Select); coding-DNA position 4317, A replaced by G.
Protein change: p.Pro1439=; no amino-acid change (proline 1439 retained).
Molecular consequence: synonymous variant.
Genome position (GRCh38, 1-based): chr2:240,723,976, T>C on the plus strand (A>G on the coding strand, the complement: KIF1A is on the minus strand). VCF-style: chr2-240723976-T-C. GRCh37 (hg19) VCF-style: chr2-241663393-T-C.
Other names: c.4041A>G, p.Pro1347= (NM_001320705.2, NM_001379649.1); c.4068A>G, p.Pro1356= (NM_001330289.2); c.4116A>G, p.Pro1372= (NM_001330290.2, NM_001379648.1); c.4392A>G, p.Pro1464= (NM_001379631.1); c.4293A>G, p.Pro1431= (NM_001379632.1); c.4290A>G, p.Pro1430= (NM_001379633.1, NM_001379645.1); c.4143A>G, p.Pro1381= (NM_001379634.1); c.4140A>G, p.Pro1380= (NM_001379635.1, NM_001379646.1); and 7 more.
Identifiers: ClinVar variation 2933166 (VCV002933166.3), dbSNP rs2045700790, ClinGen allele CA432017428.

ClinVar aggregate classification (germline): Uncertain significance (1 of 4 stars; one submission).

Conditions:
Neuropathy, hereditary sensory, type 2C. Also called: Hereditary sensory and autonomic neuropathy type IIC; KIF1A-Related HSAN2 (HSAN2C). Identifiers: Orphanet 970, MedGen C3280168, MONDO:0013634, OMIM 614213.
Hereditary spastic paraplegia 30. Identifiers: Orphanet 101010, MedGen C5235139, MONDO:0012476.
Intellectual disability, autosomal dominant 9 (NESCAVS). Also called: NESCAV SYNDROME; KIF1A-Related Neurodevelopmental Disorder. Identifiers: Orphanet 662367, MedGen C5393830, MONDO:0013656, OMIM 614255.

Submission:

Labcorp Genetics (formerly Invitae), Labcorp
Classification: Uncertain significance for Hereditary spastic paraplegia 30; Neuropathy, hereditary sensory, type 2C; Intellectual disability, autosomal dominant 9. Last evaluated: 2024-12-15. Review status: criteria provided, single submitter. Criteria: Invitae Variant Classification Sherloc (09022015). Collection method: clinical testing. Allele origin: germline.
Comment: This sequence change affects codon 1338 of the KIF1A mRNA. It is a 'silent' change, meaning that it does not change the encoded amino acid sequence of the KIF1A protein. It affects a nucleotide within the consensus splice site. This variant is not present in population databases (gnomAD no frequency). This variant has not been reported in the literature in individuals affected with KIF1A-related conditions. ClinVar contains an entry for this variant (Variation ID: 2933166). Algorithms developed to predict the effect of sequence changes on RNA splicing suggest that this variant is not likely to affect RNA splicing. In summary, the available evidence is currently insufficient to determine the role of this variant in disease. Therefore, it has been classified as a Variant of Uncertain Significance.